The following is an entry in ClinVar:

NM_006164.5(NFE2L2):c.1438G>C (p.Asp480His)

Gene: NFE2L2 (NFE2 like bZIP transcription factor 2; minus strand). Cytogenetic location: 2q31.2.
Variant type: single nucleotide variant.
Coding change: c.1438G>C on transcript NM_006164.5 (MANE Select); coding-DNA position 1438, G replaced by C.
Protein change: p.Asp480His; replaces aspartic acid 480 with histidine.
Molecular consequence: missense variant.
Genome position (GRCh38, 1-based): chr2:177,231,165, C>G on the plus strand (G>C on the coding strand, the complement: NFE2L2 is on the minus strand). VCF-style: chr2-177231165-C-G. GRCh37 (hg19) VCF-style: chr2-178095893-C-G.
Other names: c.1390G>C, p.Asp464His (NM_001145412.3, NM_001313900.1, NM_001313901.1); c.1369G>C, p.Asp457His (NM_001145413.3); c.1348G>C, p.Asp450His (NM_001313902.2); c.1219G>C, p.Asp407His (NM_001313903.2); c.1138G>C, p.Asp380His (NM_001313904.1); short protein forms D380H, D450H, D457H, D464H, D407H, D480H.
Identifiers: ClinVar variation 2697492 (VCV002697492.3), dbSNP rs1689529668, ClinGen allele CA349368840.

ClinVar aggregate classification (germline): Uncertain significance (1 of 4 stars; one submission).

Submission:

Labcorp Genetics (formerly Invitae), Labcorp
Classification: Uncertain significance. Last evaluated: 2023-11-19. Review status: criteria provided, single submitter. Criteria: Invitae Variant Classification Sherloc (09022015). Collection method: clinical testing. Allele origin: germline.
Comment: This sequence change replaces aspartic acid, which is acidic and polar, with histidine, which is basic and polar, at codon 480 of the NFE2L2 protein (p.Asp480His). This variant is not present in population databases (gnomAD no frequency). This variant has not been reported in the literature in individuals affected with NFE2L2-related conditions. Advanced modeling of protein sequence and biophysical properties (such as structural, functional, and spatial information, amino acid conservation, physicochemical variation, residue mobility, and thermodynamic stability) performed at Invitae indicates that this missense variant is expected to disrupt NFE2L2 protein function with a positive predictive value of 80%. In summary, the available evidence is currently insufficient to determine the role of this variant in disease. Therefore, it has been classified as a Variant of Uncertain Significance.